The following is an entry in ClinVar:

ClinVar aggregate classification (germline): Likely benign (1 of 4 stars; one submission).

Allele frequency attached by ClinVar (database versions not stated): gnomAD 0.00005.

Submission:

GeneDx
Classification: Likely benign. Last evaluated: 2018-05-25. Review status: criteria provided, single submitter. Criteria: GeneDx Variant Classification (06012015). Collection method: clinical testing. Allele origin: germline. Affected: yes.
Comment: This variant is considered likely benign or benign based on one or more of the following criteria: it is a conservative change, it occurs at a poorly conserved position in the protein, it is predicted to be benign by multiple in silico algorithms, and/or has population frequency not consistent with disease.

NM_001079855.2(GYG2):c.-129+16_-129+17insC

Gene: GYG2 (glycogenin 2; plus strand). Cytogenetic location: Xp22.33.
Variant type: Insertion.
Coding change: c.-129+16_-129+17insC on transcript NM_001079855.2 (MANE Select); bases 16 to 17 of the intron after 129 bases upstream of the start codon, C inserted.
Molecular consequence: intron variant.
Genome position: GRCh38 VCF-style: chrX-2828991-G-GC. GRCh37 (hg19) VCF-style: chrX-2747032-G-GC.
Other names: c.-129+16_-129+17insC (NM_003918.3, NM_001184703.2, NM_001184702.2); c.-452+16_-452+17insC (NM_001184704.2).
Identifiers: ClinVar variation 667519 (VCV000667519.1), dbSNP rs1603458322, ClinGen allele CA915952822.
Genomic context (GRCh38, chrX:2,828,991, plus strand): 5'-CCTCCAGCGCCGGCTCTGGGCCGAGGCAGCCAGAGCGCGGAAGAGGTGCGGGGGGCTGTA[G>GC]GGGGCTGCAGGGGACCGTGGGCAGTGGAGGAGGCCTGGGCGCGGCGGGGGGCCGGGGGGC-3'